The following is an entry in ClinVar:

ClinVar aggregate classification (germline): Uncertain significance (1 of 4 stars; one submission).

Allele frequency attached by ClinVar (database versions not stated): TOPMed below 0.00001.
gnomAD v4.1: 1 of 1,538,446 alleles (0.000065%); no homozygotes.

Submission:

Labcorp Genetics (formerly Invitae), Labcorp
Classification: Uncertain significance. Last evaluated: 2021-10-22. Review status: criteria provided, single submitter. Criteria: Invitae Variant Classification Sherloc (09022015). Collection method: clinical testing. Allele origin: germline.
Comment: This variant has not been reported in the literature in individuals affected with SLC30A10-related conditions. Algorithms developed to predict the effect of missense changes on protein structure and function output the following: SIFT: "Tolerated"; PolyPhen-2: "Benign"; Align-GVGD: "Class C0". The histidine amino acid residue is found in multiple mammalian species, which suggests that this missense change does not adversely affect protein function. In summary, the available evidence is currently insufficient to determine the role of this variant in disease. Therefore, it has been classified as a Variant of Uncertain Significance. This sequence change replaces arginine with histidine at codon 178 of the SLC30A10 protein (p.Arg178His). The arginine residue is weakly conserved and there is a small physicochemical difference between arginine and histidine. The frequency data for this variant in the population databases is considered unreliable, as metrics indicate insufficient coverage at this position in the ExAC database.

NM_018713.3(SLC30A10):c.533G>A (p.Arg178His)

Gene: SLC30A10 (solute carrier family 30 member 10; minus strand). Cytogenetic location: 1q41.
Variant type: single nucleotide variant.
Coding change: c.533G>A on transcript NM_018713.3 (MANE Select); coding-DNA position 533, G replaced by A.
Protein change: p.Arg178His; replaces arginine 178 with histidine.
Molecular consequence: missense variant. On other transcripts: non-coding transcript variant (1), intron variant (1).
Genome position (GRCh38, 1-based): chr1:219,927,908, C>T on the plus strand (G>A on the coding strand, the complement: SLC30A10 is on the minus strand). VCF-style: chr1-219927908-C-T. GRCh37 (hg19) VCF-style: chr1-220101250-C-T.
Other names: c.452-803G>A (NM_001376929.1); short protein forms R178H.
Identifiers: ClinVar variation 1421376 (VCV001421376.6), dbSNP rs1257640243, ClinGen allele CA344733438.